The following is an entry in ClinVar:

NM_017636.4(TRPM4):c.92+12G>C

Gene: TRPM4 (transient receptor potential cation channel subfamily M member 4; plus strand). Cytogenetic location: 19q13.33.
Variant type: single nucleotide variant.
Coding change: c.92+12G>C on transcript NM_017636.4 (MANE Select); 12 bases into the intron after coding-DNA position 92, G replaced by C.
Molecular consequence: intron variant.
Genome position (GRCh38, 1-based): chr19:49,158,271, G>C. VCF-style: chr19-49158271-G-C. GRCh37 (hg19) VCF-style: chr19-49661528-G-C.
Other names: c.92+12G>C (NM_001195227.2, NM_001321281.2); c.-1281+12G>C (NM_001321282.2); c.-75+12G>C (NM_001321283.2); c.-238+12G>C (NM_001321285.2).
Identifiers: ClinVar variation 508027 (VCV000508027.5), dbSNP rs377431946, ClinGen allele CA9568659.

ClinVar aggregate classification (germline): Likely benign. Review status: criteria provided, multiple submitters, no conflicts (2 of 4 stars). 3 submissions from 3 submitters: Likely benign (3). Last evaluated 2025-11-27.

Conditions:
Progressive familial heart block type IB (PFHB1B). Identifiers: Orphanet 871, MedGen C1970298, MONDO:0011474, OMIM 604559.

Allele frequency attached by ClinVar (database versions not stated): TOPMed 0.00002; gnomAD 0.00003; ESP Exome Variant Server 0.00008.
gnomAD v4.1: 61 of 1,612,726 alleles (0.0038%); highest among the groups gnomAD compares: Non-Finnish European, 0.005%; no homozygotes.

Submissions (3):

Labcorp Genetics (formerly Invitae), Labcorp
Classification: Likely benign for Progressive familial heart block type IB. Last evaluated: 2025-11-27. Review status: criteria provided, single submitter. Criteria: Invitae Variant Classification Sherloc (09022015). Collection method: clinical testing. Allele origin: germline.

Blueprint Genetics
Classification: Likely benign. Last evaluated: 2023-07-05. Review status: criteria provided, single submitter. Criteria: ACMG Guidelines, 2015. Collection method: clinical testing. Allele origin: germline.

GeneDx
Classification: Likely benign. Last evaluated: 2017-03-15. Review status: criteria provided, single submitter. Criteria: GeneDx Variant Classification (06012015). Collection method: clinical testing. Allele origin: germline. Affected: yes.
Comment: This variant is considered likely benign or benign based on one or more of the following criteria: it is a conservative change, it occurs at a poorly conserved position in the protein, it is predicted to be benign by multiple in silico algorithms, and/or has population frequency not consistent with disease.